The following is an entry in ClinVar:

NM_004752.4(GCM2):c.*634C>T

Gene: GCM2 (glial cells missing transcription factor 2; minus strand). Cytogenetic location: 6p24.2.
Variant type: single nucleotide variant.
Coding change: c.*634C>T on transcript NM_004752.4 (MANE Select); 634 bases downstream of the stop codon, C replaced by T.
Molecular consequence: 3 prime UTR variant.
Genome position (GRCh38, 1-based): chr6:10,873,361, G>A on the plus strand (C>T on the coding strand, the complement: GCM2 is on the minus strand). VCF-style: chr6-10873361-G-A. GRCh37 (hg19) VCF-style: chr6-10873594-G-A.
Identifiers: ClinVar variation 354998 (VCV000354998.5), dbSNP rs76143708, ClinGen allele CA10622759.

ClinVar aggregate classification (germline): Benign (1 of 4 stars; one submission).

Conditions:
Familial hypoparathyroidism. Also called: Familial isolated hypoparathyroidism. Identifiers: Orphanet 2238, MedGen C1832648, MONDO:0016390.

Allele frequency attached by ClinVar (database versions not stated): gnomAD exomes 0.00134; gnomAD 0.01585 and 0.01709; 1000 Genomes Project 0.01617; 1000 Genomes Project 30x 0.01655; TOPMed 0.01808.
gnomAD v4.1: 2,399 of 154,532 alleles (1.6%); highest among the groups gnomAD compares: African/African-American, 5.3%; 72 homozygotes.

Submission:

Illumina Laboratory Services, Illumina
Classification: Benign for Hypoparathyroidism, familial isolated 1. Last evaluated: 2018-01-13. Review status: criteria provided, single submitter. Criteria: ICSL Variant Classification Criteria 13 December 2019. Collection method: clinical testing. Allele origin: germline.
Comment: This variant was observed in the ICSL laboratory as part of a predisposition screen in an ostensibly healthy population. It had not been previously curated by ICSL or reported in the Human Gene Mutation Database (HGMD: prior to June 1st, 2018), and was therefore a candidate for classification through an automated scoring system. Utilizing variant allele frequency, disease prevalence and penetrance estimates, and inheritance mode, an automated score was calculated to assess if this variant is too frequent to cause the disease. Based on the score and internal cut-off values, a variant classified as benign is not then subjected to further curation. The score for this variant resulted in a classification of benign for this disease.